The following continues an entry in ClinVar:

NM_001267550.2(TTN):c.100094G>A (p.Arg33365Gln)

ClinVar aggregate classification (germline): Benign/Likely benign. Benign (16); Likely benign (7).

Submissions 22 to 32 of 32:

Breakthrough Genomics
Classification: Likely benign. Review status: criteria provided, single submitter. Criteria: ACMG Guidelines, 2015. Collection method: not provided. Allele origin: germline. Inheritance: Autosomal recessive inheritance. Affected: yes.

PreventionGenetics, part of Exact Sciences
Classification: Benign. Review status: criteria provided, single submitter. Criteria: ACMG Guidelines, 2015. Collection method: clinical testing. Allele origin: germline.

Clinical Genetics, Academic Medical Center
Classification: Benign. Review status: no assertion criteria provided. Collection method: clinical testing. Allele origin: germline. Affected: yes. Study: VKGL Data-share Consensus. Not counted in ClinVar's aggregate classification.

Diagnostic Laboratory, Department of Genetics, University Medical Center Groningen
Classification: Likely benign. Review status: no assertion criteria provided. Collection method: clinical testing. Allele origin: germline. Affected: yes. Study: VKGL Data-share Consensus. Not counted in ClinVar's aggregate classification.

Dr. Peter K. Rogan Lab, Western University
No classification provided (evidence only). Condition: Acute myeloid leukemia. Review status: no classification provided. Collection method: in vitro. Allele origin: not applicable. Functional consequence: retained intron. Not counted in ClinVar's aggregate classification.

Dr. Peter K. Rogan Lab, Western University
No classification provided (evidence only). Condition: Thymoma. Review status: no classification provided. Collection method: in vitro. Allele origin: not applicable. Functional consequence: retained intron. Not counted in ClinVar's aggregate classification.

Dr. Peter K. Rogan Lab, Western University
No classification provided (evidence only). Condition: Thymoma. Review status: no classification provided. Collection method: in vitro. Allele origin: not applicable. Functional consequence: retained intron. Not counted in ClinVar's aggregate classification.

Dr. Peter K. Rogan Lab, Western University
No classification provided (evidence only). Condition: Malignant tumor of esophagus. Review status: no classification provided. Collection method: in vitro. Allele origin: not applicable. Functional consequence: retained intron. Not counted in ClinVar's aggregate classification.

Dr. Peter K. Rogan Lab, Western University
No classification provided (evidence only). Condition: Malignant tumor of esophagus. Review status: no classification provided. Collection method: in vitro. Allele origin: not applicable. Functional consequence: retained intron. Not counted in ClinVar's aggregate classification.

Genome Diagnostics Laboratory, University Medical Center Utrecht
Classification: Benign. Review status: no assertion criteria provided. Collection method: clinical testing. Allele origin: germline. Affected: yes. Study: VKGL Data-share Consensus. Not counted in ClinVar's aggregate classification.

Laboratory of Diagnostic Genome Analysis, Leiden University Medical Center (LUMC)
Classification: Likely benign. Review status: no assertion criteria provided. Collection method: clinical testing. Allele origin: germline. Affected: yes. Study: VKGL Data-share Consensus. Not counted in ClinVar's aggregate classification.

Literature cited by the submitters: PubMed 37301943 (cited by Athena Diagnostics).